The following is an entry in ClinVar:

Single allele

Variant type: Variation.
Identifiers: ClinVar variation 66000 (VCV000066000.2).

ClinVar aggregate classification (germline): Pathogenic (0 of 4 stars; one submission).

Conditions:
Central core myopathy (CMYO1A). Also called: Central core disease; Myopathy, central fibrillar; CONGENITAL MYOPATHY 1A, AUTOSOMAL DOMINANT, WITH SUSCEPTIBILITY TO MALIGNANT HYPERTHERMIA. Identifiers: Orphanet 597, MedGen C5830701, MONDO:0007294, OMIM 117000.

Submission:

GeneReviews
Classification: Pathogenic for Central Core Disease. Last evaluated: 2010-05-11. Review status: no assertion criteria provided. Collection method: curation. Allele origin: unknown.
ClinVar note: Converted during submission from pathologic to Pathogenic.